The following is an entry in ClinVar:

ClinVar aggregate classification (germline): Uncertain significance (1 of 4 stars; one submission).

Submission:

GeneDx
Classification: Uncertain significance. Last evaluated: 2019-07-24. Review status: criteria provided, single submitter. Criteria: GeneDx Variant Classification Process June 2021. Collection method: clinical testing. Allele origin: germline. Affected: yes.
Comment: Not observed in large population cohorts (Lek et al., 2016); In-frame deletion of 1 amino acid in a non-repeat region; In silico analysis, which includes protein predictors and evolutionary conservation, supports a deleterious effect; Has not been previously published as pathogenic or benign to our knowledge

NM_006876.3(B4GAT1):c.893CCA[1] (p.Thr299del)

Gene: B4GAT1 (beta-1,4-glucuronyltransferase 1; minus strand). Cytogenetic location: 11q13.2.
Variant type: Microsatellite.
Coding change: c.893CCA[1] on transcript NM_006876.3 (MANE Select); one copy of the 3-base unit CCA starting at c.893; the reference has two copies in a row; one copy, 3 bases deleted.
Protein change: p.Thr299del; deletes threonine 299.
Molecular consequence: inframe deletion.
Genome position (GRCh38, 1-based): chr11:66,346,648-66,346,650, TGG deleted on the plus strand (CCA on the coding strand, the reverse complement: B4GAT1 is on the minus strand); deleting any 3 consecutive bases within chr11:66,346,648-66,346,653 gives the same sequence; the position shown is the placement nearest the transcript's 3' end. VCF-style (leftmost placement, unchanged base first): chr11-66346647-TTGG-T. GRCh37 (hg19) VCF-style: chr11-66114118-TTGG-T.
Other names: short protein forms T299del.
Identifiers: ClinVar variation 1307183 (VCV001307183.2), dbSNP rs2134974486, ClinGen allele CA2580615732.
Genomic context (GRCh38, chr11:66,346,647, plus strand): 5'-GGTACCACGTAGGCGGGCCGCAGCAAGCTCTCTTCCGGCAGGTTGACCCAGCGGGAATAG[TTGG>T]TGGGTGCCTGGCAGGGGGTGCACAACCCATAATAGAAGGGCCGCACCTCGCCAACCTGGT-3'